The following is an entry in ClinVar:

NM_021930.6(RINT1):c.399C>T (p.Ser133=)

Gene: RINT1 (RAD50 interactor 1; plus strand). Cytogenetic location: 7q22.3.
Variant type: single nucleotide variant.
Coding change: c.399C>T on transcript NM_021930.6 (MANE Select); coding-DNA position 399, C replaced by T.
Protein change: p.Ser133=; no amino-acid change (serine 133 retained).
Molecular consequence: synonymous variant. On other transcripts: 5 prime UTR variant (3), non-coding transcript variant (1).
Genome position (GRCh38, 1-based): chr7:105,542,533, C>T. VCF-style: chr7-105542533-C-T. GRCh37 (hg19) VCF-style: chr7-105182980-C-T.
Other names: c.165C>T, p.Ser55= (NM_001346599.2); c.-621C>T (NM_001346600.2); c.-524C>T (NM_001346601.2); c.-144C>T (NM_001346603.2).
Identifiers: ClinVar variation 698709 (VCV000698709.37), dbSNP rs77550260, ClinGen allele CA4426415.

ClinVar aggregate classification (germline): Likely benign. Review status: criteria provided, multiple submitters, no conflicts (2 of 4 stars). 3 submissions from 3 submitters: Likely benign (3). Last evaluated 2025-05-13.

Allele frequency attached by ClinVar (database versions not stated): ESP Exome Variant Server 0.00008; TOPMed 0.00008; gnomAD 0.00009; gnomAD exomes 0.00009 and 0.00010; ExAC 0.00012; 1000 Genomes Project 30x 0.00016; 1000 Genomes Project 0.00020.
gnomAD v4.1: 164 of 1,614,160 alleles (0.01%); highest among the groups gnomAD compares: Non-Finnish European, 0.014%; 1 homozygote.

Submissions (3):

Labcorp Genetics (formerly Invitae), Labcorp
Classification: Likely benign. Last evaluated: 2025-05-13. Review status: criteria provided, single submitter. Criteria: Invitae Variant Classification Sherloc (09022015). Collection method: clinical testing. Allele origin: germline.

CeGaT Center for Human Genetics Tuebingen
Classification: Likely benign. Last evaluated: 2022-04-01. Review status: criteria provided, single submitter. Criteria: CeGaT Center For Human Genetics Tuebingen Variant Classification Criteria Version 2. Collection method: clinical testing. Allele origin: germline. Affected: yes. Observed: 1 variant allele.
Comment: RINT1: BP4, BP7

Ambry Genetics
Classification: Likely benign. Last evaluated: 2021-03-23. Review status: criteria provided, single submitter. Criteria: Ambry Variant Classification Scheme 2023. Collection method: clinical testing. Allele origin: germline.